The following is an entry in ClinVar:

NM_004370.6(COL12A1):c.6611A>G (p.Tyr2204Cys)

Gene: COL12A1 (collagen type XII alpha 1 chain; minus strand). Cytogenetic location: 6q13.
Variant type: single nucleotide variant.
Coding change: c.6611A>G on transcript NM_004370.6 (MANE Select); coding-DNA position 6611, A replaced by G.
Protein change: p.Tyr2204Cys; replaces tyrosine 2204 with cysteine.
Molecular consequence: missense variant.
Genome position (GRCh38, 1-based): chr6:75,124,368, T>C on the plus strand (A>G on the coding strand, the complement: COL12A1 is on the minus strand). VCF-style: chr6-75124368-T-C. GRCh37 (hg19) VCF-style: chr6-75834084-T-C.
Other names: c.3119A>G, p.Tyr1040Cys (NM_080645.3); short protein forms Y1040C, Y2204C.
Identifiers: ClinVar variation 2154732 (VCV002154732.4), dbSNP rs1291459430, ClinGen allele CA364729175.

ClinVar aggregate classification (germline): Uncertain significance (1 of 4 stars; one submission).

Conditions:
Ullrich congenital muscular dystrophy 2 (UCMD2). Identifiers: Orphanet 75840, MedGen C4225314, MONDO:0014654, OMIM 616470.
Bethlem myopathy 2 (BTHLM2). Identifiers: Orphanet 536516, Orphanet 610, MedGen C4225313, MONDO:0034022, OMIM 616471.

Submission:

Labcorp Genetics (formerly Invitae), Labcorp
Classification: Uncertain significance for Bethlem myopathy 2; Ullrich congenital muscular dystrophy 2. Last evaluated: 2022-03-19. Review status: criteria provided, single submitter. Criteria: Invitae Variant Classification Sherloc (09022015). Collection method: clinical testing. Allele origin: germline.
Comment: This variant is present in population databases (no rsID available, gnomAD 0.0009%). This variant has not been reported in the literature in individuals affected with COL12A1-related conditions. Algorithms developed to predict the effect of missense changes on protein structure and function are either unavailable or do not agree on the potential impact of this missense change (SIFT: "Deleterious"; PolyPhen-2: "Probably Damaging"; Align-GVGD: "Class C0"). In summary, the available evidence is currently insufficient to determine the role of this variant in disease. Therefore, it has been classified as a Variant of Uncertain Significance. This sequence change replaces tyrosine, which is neutral and polar, with cysteine, which is neutral and slightly polar, at codon 2204 of the COL12A1 protein (p.Tyr2204Cys).